The following is an entry in ClinVar:

NM_004958.4(MTOR):c.3945-3C>G

Gene: MTOR (mechanistic target of rapamycin kinase; minus strand). Cytogenetic location: 1p36.22.
Variant type: single nucleotide variant.
Coding change: c.3945-3C>G on transcript NM_004958.4 (MANE Select); 3 bases into the intron before coding-DNA position 3945, C replaced by G.
Molecular consequence: intron variant.
Genome position (GRCh38, 1-based): chr1:11,199,706, G>C on the plus strand (C>G on the coding strand, the complement: MTOR is on the minus strand). VCF-style: chr1-11199706-G-C. GRCh37 (hg19) VCF-style: chr1-11259763-G-C.
Other names: c.2697-3C>G (NM_001386501.1); c.3945-3C>G (NM_001386500.1).
Identifiers: ClinVar variation 2718870 (VCV002718870.3), dbSNP rs2100747332, ClinGen allele CA2697552191.

ClinVar aggregate classification (germline): Uncertain significance (1 of 4 stars; one submission).

Submission:

Labcorp Genetics (formerly Invitae), Labcorp
Classification: Uncertain significance. Last evaluated: 2023-08-28. Review status: criteria provided, single submitter. Criteria: Invitae Variant Classification Sherloc (09022015). Collection method: clinical testing. Allele origin: germline.
Comment: This variant is not present in population databases (gnomAD no frequency). In summary, the available evidence is currently insufficient to determine the role of this variant in disease. Therefore, it has been classified as a Variant of Uncertain Significance. Variants that disrupt the consensus splice site are a relatively common cause of aberrant splicing (PMID: 17576681, 9536098). Algorithms developed to predict the effect of sequence changes on RNA splicing suggest that this variant may disrupt the consensus splice site. This variant has not been reported in the literature in individuals affected with MTOR-related conditions. This sequence change falls in intron 26 of the MTOR gene. It does not directly change the encoded amino acid sequence of the MTOR protein. It affects a nucleotide within the consensus splice site.

Literature cited by the submitters: PubMed 17576681; PubMed 9536098.